The following is an entry in ClinVar:

ClinVar aggregate classification (germline): Uncertain significance. Review status: reviewed by expert panel (3 of 4 stars). 4 submissions from 4 submitters: Uncertain significance (1). 3 of the submissions do not count toward it. Last evaluated 2024-01-08.

Conditions:
Mitochondrial disease. Also called: Mitochondrial disorder; Mitochondrial disorders. Identifiers: Orphanet 68380, MedGen C0751651, MeSH D028361, MONDO:0044970.
Leber optic atrophy (LHON). Also called: Optic Atrophy, Hereditary, Leber; Leber hereditary optic neuropathy; Leber's disease; Leber's optic atrophy. Identifiers: Orphanet 104, MedGen C0917796, MONDO:0010788, OMIM 535000, HP:0001112.

Submissions (4):

ClinGen Mitochondrial Disease Nuclear and Mitochondrial  Variant Curation Expert Panel, ClinGen
Classification: Uncertain significance for Mitochondrial disease. Last evaluated: 2024-01-08. Review status: reviewed by expert panel. Criteria: McCormick et al. (Hum Mutat. 2020). Collection method: curation. Allele origin: germline. Inheritance: Mitochondrial inheritance.
Comment: The m.4160T>C (p.L285P) variant in MT-ND1 has been reported in three unrelated individuals to date (PMIDs: 2018041, 22258525, 35699829), however only one case was included in this curation (PMID: 35699829). This individual had Leber Hereditary Optic Neuropathy (LHON) and dystonia, and the variant was present at 80.2% in blood, 90.8% in urine, and 81.7% in buccal. One of the other reported families with this variant had LHON however they also had the m.14484T>C variant, one of the three most common variants associated with LHON (PMIDs: 2018041, 29249004), and therefore was not included in this curation. Another individual was reported to have developmental delay, vision involvement, peripheral nervous system involvement, and muscle involvement however the m.4160T>C variant was only present at 11% heteroplasmy (PMID: 22258525). Given the low heteroplasmy, this case was also excluded from this curation. The computational predictor APOGEE gives a consensus rating of pathogenic with a score of 0.89 (Min=0, Max=1), which predicts a damaging effect on gene function (PP3). There are single occurrences in population databases, however these are from reported affected individuals (PM2_supporting). Cybrid studies were performed however were not considered in this curation given the presence of other mitochondrial DNA variants (PMIDs: 35699829, 28455970). In summary, this variant meets criteria to be classified as uncertain significance for primary mitochondrial disease inherited in a mitochondrial manner. This classification was approved by the NICHD/NINDS U24 ClinGen Mitochondrial Disease Variant Curation Expert Panel on January 8, 2024. Mitochondrial DNA-specific ACMG/AMP criteria applied (PMID: 32906214): PM2_supporting, PP3, PM6_supporting.

Mendelics
Classification: Pathogenic for Leber optic atrophy. Last evaluated: 2022-05-04. Review status: criteria provided, single submitter. Criteria: Mendelics Assertion Criteria 2019. Collection method: clinical testing. Allele origin: germline. Not counted in ClinVar's aggregate classification.

OMIM
Classification: Pathogenic for LEBER OPTIC ATROPHY. Last evaluated: 1991-11-01. Review status: no assertion criteria provided. Collection method: literature only. Allele origin: germline. Not counted in ClinVar's aggregate classification.

GeneReviews
No classification provided. Condition: Leber optic atrophy. Review status: no classification provided. Collection method: literature only. Allele origin: maternal. Not counted in ClinVar's aggregate classification.
Comment: This mitochondrial DNA variant affects function. It hase been identified in at least two independent LHON pedigrees and segregates with affected disease status.

Literature cited by the submitters: PubMed 1928099 (cited by OMIM); PubMed 30143805 (cited by GeneReviews); PubMed 20301353 (cited by GeneReviews).

NC_012920.1(MT-ND1):m.4160T>C

Gene: MT-ND1 (mitochondrially encoded NADH dehydrogenase 1; plus strand).
Variant type: single nucleotide variant.
Genome position: chrM-4160-T-C.
Identifiers: ClinVar variation 9723 (VCV000009723.5), dbSNP rs199476119, ClinGen allele CA340942.